The following is an entry in ClinVar:

ClinVar aggregate classification (germline): Uncertain significance (1 of 4 stars; one submission).

Submission:

Labcorp Genetics (formerly Invitae), Labcorp
Classification: Uncertain significance. Last evaluated: 2024-04-14. Review status: criteria provided, single submitter. Criteria: Invitae Variant Classification Sherloc (09022015). Collection method: clinical testing. Allele origin: germline.
Comment: This sequence change replaces asparagine, which is neutral and polar, with aspartic acid, which is acidic and polar, at codon 561 of the IRF2BP2 protein (p.Asn561Asp). This variant is not present in population databases (gnomAD no frequency). This variant has not been reported in the literature in individuals affected with IRF2BP2-related conditions. An algorithm developed to predict the effect of missense changes on protein structure and function (PolyPhen-2) suggests that this variant is likely to be disruptive. In summary, the available evidence is currently insufficient to determine the role of this variant in disease. Therefore, it has been classified as a Variant of Uncertain Significance.

NM_182972.3(IRF2BP2):c.1681A>G (p.Asn561Asp)

Gene: IRF2BP2 (interferon regulatory factor 2 binding protein 2; minus strand). Cytogenetic location: 1q42.3.
Variant type: single nucleotide variant.
Coding change: c.1681A>G on transcript NM_182972.3 (MANE Select); coding-DNA position 1681, A replaced by G.
Protein change: p.Asn561Asp; replaces asparagine 561 with aspartic acid.
Molecular consequence: missense variant.
Genome position (GRCh38, 1-based): chr1:234,607,220, T>C on the plus strand (A>G on the coding strand, the complement: IRF2BP2 is on the minus strand). VCF-style: chr1-234607220-T-C. GRCh37 (hg19) VCF-style: chr1-234742966-T-C.
Other names: c.1633A>G, p.Asn545Asp (NM_001077397.1); short protein forms N561D, N545D.
Identifiers: ClinVar variation 2714038 (VCV002714038.3), dbSNP rs1402144316, ClinGen allele CA345304962.